The following is an entry in ClinVar:

ClinVar aggregate classification (germline): Uncertain significance (1 of 4 stars; one submission).

Allele frequency attached by ClinVar (database versions not stated): gnomAD exomes below 0.00001.
gnomAD v4.1: 6 of 1,614,236 alleles (0.00037%); highest among the groups gnomAD compares: Middle Eastern, 0.016%; no homozygotes.

Submission:

Labcorp Genetics (formerly Invitae), Labcorp
Classification: Uncertain significance. Last evaluated: 2026-01-05. Review status: criteria provided, single submitter. Criteria: Invitae Variant Classification Sherloc (09022015). Collection method: clinical testing. Allele origin: germline.
Comment: This sequence change replaces asparagine, which is neutral and polar, with aspartic acid, which is acidic and polar, at codon 628 of the ARHGEF10 protein (p.Asn628Asp). This variant is present in population databases (no rsID available, gnomAD 0.003%). This variant has not been reported in the literature in individuals affected with ARHGEF10-related conditions. ClinVar contains an entry for this variant (Variation ID: 2124561). Invitae Evidence Modeling of protein sequence and biophysical properties (such as structural, functional, and spatial information, amino acid conservation, physicochemical variation, residue mobility, and thermodynamic stability) indicates that this missense variant is not expected to disrupt ARHGEF10 protein function with a negative predictive value of 80%. In summary, the available evidence is currently insufficient to determine the role of this variant in disease. Therefore, it has been classified as a Variant of Uncertain Significance.

NM_014629.4(ARHGEF10):c.1882A>G (p.Asn628Asp)

Gene: ARHGEF10 (Rho guanine nucleotide exchange factor 10; plus strand). Cytogenetic location: 8p23.3.
Variant type: single nucleotide variant.
Coding change: c.1882A>G on transcript NM_014629.4 (MANE Select); coding-DNA position 1882, A replaced by G.
Protein change: p.Asn628Asp; replaces asparagine 628 with aspartic acid.
Molecular consequence: missense variant.
Genome position (GRCh38, 1-based): chr8:1,905,631, A>G. VCF-style: chr8-1905631-A-G. GRCh37 (hg19) VCF-style: chr8-1853797-A-G.
Other names: c.1768A>G, p.Asn590Asp (NM_001308152.2); c.1882A>G, p.Asn628Asp (NM_001308153.3); short protein forms N590D, N652D, N628D.
Identifiers: ClinVar variation 2124561 (VCV002124561.4), dbSNP rs1304358349, ClinGen allele CA369961631.